The following is an entry in ClinVar:

ClinVar aggregate classification (germline): Uncertain significance. Review status: criteria provided, single submitter (1 of 4 stars). 2 submissions from 2 submitters: Uncertain significance (1). 1 of the submissions does not count toward it. Last evaluated 2024-11-15.

Conditions:
SEMA3B-related disorder. Also called: SEMA3B-related condition.

Submissions (2):

Ambry Genetics
Classification: Uncertain significance. Last evaluated: 2024-11-15. Review status: criteria provided, single submitter. Criteria: Ambry Variant Classification Scheme 2023. Collection method: clinical testing. Allele origin: germline.

PreventionGenetics, part of Exact Sciences
Classification: Likely benign for SEMA3B-related condition. Last evaluated: 2021-11-19. Review status: no assertion criteria provided. Collection method: clinical testing. Allele origin: germline. Not counted in ClinVar's aggregate classification.
Comment: This variant is classified as likely benign based on ACMG/AMP sequence variant interpretation guidelines (Richards et al. 2015 PMID: 25741868, with internal and published modifications).

NM_001290060.2(SEMA3B):c.848G>C (p.Trp283Ser)

Gene: SEMA3B (semaphorin 3B; plus strand). Cytogenetic location: 3p21.31.
Variant type: single nucleotide variant.
Coding change: c.848G>C on transcript NM_001290060.2 (MANE Select); coding-DNA position 848, G replaced by C.
Protein change: p.Trp283Ser; replaces tryptophan 283 with serine.
Molecular consequence: missense variant. On other transcripts: 5 prime UTR variant (2), non-coding transcript variant (1).
Genome position (GRCh38, 1-based): chr3:50,273,572, G>C. VCF-style: chr3-50273572-G-C. GRCh37 (hg19) VCF-style: chr3-50311003-G-C.
Other names: c.848G>C, p.Trp283Ser (NM_001005914.3, NM_001290061.1, NM_004636.4); c.-179G>C (NM_001290062.2); c.-182G>C (NM_001290063.2); short protein forms W283S.
Identifiers: ClinVar variation 2213198 (VCV002213198.4), dbSNP rs2470773387, ClinGen allele CA352911421.